The following is an entry in ClinVar:

ClinVar aggregate classification (germline): Uncertain significance (1 of 4 stars; one submission).

Conditions:
Combined oxidative phosphorylation defect type 17. Also called: Combined oxidative phosphorylation deficiency 17. Identifiers: Orphanet 369913, MedGen C3809526, MONDO:0014190, OMIM 615440.

Allele frequency attached by ClinVar (database versions not stated): gnomAD exomes 0.00001 and 0.00003; gnomAD 0.00004; ExAC 0.00031; 1000 Genomes Project 0.00040; 1000 Genomes Project 30x 0.00047.

Submission:

Labcorp Genetics (formerly Invitae), Labcorp
Classification: Uncertain significance for Combined oxidative phosphorylation defect type 17. Last evaluated: 2022-09-01. Review status: criteria provided, single submitter. Criteria: Invitae Variant Classification Sherloc (09022015). Collection method: clinical testing. Allele origin: germline.
Comment: In summary, the available evidence is currently insufficient to determine the role of this variant in disease. Therefore, it has been classified as a Variant of Uncertain Significance. Algorithms developed to predict the effect of missense changes on protein structure and function are either unavailable or do not agree on the potential impact of this missense change (SIFT: "Deleterious"; PolyPhen-2: "Benign"; Align-GVGD: "Class C0"). ClinVar contains an entry for this variant (Variation ID: 1438567). This variant has not been reported in the literature in individuals affected with ELAC2-related conditions. This variant is present in population databases (rs533396669, gnomAD 0.02%). This sequence change replaces methionine, which is neutral and non-polar, with valine, which is neutral and non-polar, at codon 16 of the ELAC2 protein (p.Met16Val).

NM_018127.7(ELAC2):c.46A>G (p.Met16Val)

Gene: ELAC2 (elaC ribonuclease Z 2; minus strand). Cytogenetic location: 17p12.
Variant type: single nucleotide variant.
Coding change: c.46A>G on transcript NM_018127.7 (MANE Select); coding-DNA position 46, A replaced by G.
Protein change: p.Met16Val; replaces methionine 16 with valine.
Molecular consequence: missense variant.
Genome position (GRCh38, 1-based): chr17:13,017,902, T>C on the plus strand (A>G on the coding strand, the complement: ELAC2 is on the minus strand). VCF-style: chr17-13017902-T-C. GRCh37 (hg19) VCF-style: chr17-12921219-T-C.
Other names: c.46A>G, p.Met16Val (NM_001165962.2, NM_173717.2); short protein forms M16V.
Identifiers: ClinVar variation 1438567 (VCV001438567.4), dbSNP rs533396669, ClinGen allele CA8401853.